The following is an entry in ClinVar:

ClinVar aggregate classification (germline): Uncertain significance. Review status: criteria provided, multiple submitters, no conflicts (2 of 4 stars). 3 submissions from 3 submitters: Uncertain significance (3). Last evaluated 2025-07-25.

Conditions:
Inborn genetic diseases. Identifiers: MedGen C0950123, MeSH D030342.
Familial focal epilepsy with variable foci (FPEVF). Identifiers: Orphanet 98820, MedGen C1858477, MONDO:0020310.

gnomAD v4.1: 3 of 1,614,028 alleles (0.00019%); highest among the groups gnomAD compares: Admixed American, 0.0017%; no homozygotes.

Submissions (3):

GeneDx
Classification: Uncertain significance. Last evaluated: 2025-07-25. Review status: criteria provided, single submitter. Criteria: GeneDx Variant Classification Process June 2021. Collection method: clinical testing. Allele origin: germline. Affected: yes.
Comment: In silico analysis suggests that this missense variant does not alter protein structure/function; Has not been previously published as pathogenic or benign to our knowledge; Not observed at significant frequency in large population cohorts (gnomAD)

Ambry Genetics
Classification: Uncertain significance for Inborn genetic diseases. Last evaluated: 2024-12-13. Review status: criteria provided, single submitter. Criteria: Ambry Variant Classification Scheme 2023. Collection method: clinical testing. Allele origin: germline.

Labcorp Genetics (formerly Invitae), Labcorp
Classification: Uncertain significance for Familial focal epilepsy with variable foci. Last evaluated: 2024-10-15. Review status: criteria provided, single submitter. Criteria: Invitae Variant Classification Sherloc (09022015). Collection method: clinical testing. Allele origin: germline.
Comment: This sequence change replaces valine, which is neutral and non-polar, with isoleucine, which is neutral and non-polar, at codon 826 of the DEPDC5 protein (p.Val826Ile). This variant is present in population databases (no rsID available, gnomAD 0.01%). This variant has not been reported in the literature in individuals affected with DEPDC5-related conditions. Experimental studies and prediction algorithms are not available or were not evaluated, and the functional significance of this variant is currently unknown. In summary, the available evidence is currently insufficient to determine the role of this variant in disease. Therefore, it has been classified as a Variant of Uncertain Significance.

NM_001242896.3(DEPDC5):c.2476G>A (p.Val826Ile)

Gene: DEPDC5 (DEP domain containing 5, GATOR1 subcomplex subunit; plus strand). Cytogenetic location: 22q12.3.
Variant type: single nucleotide variant.
Coding change: c.2476G>A on transcript NM_001242896.3 (MANE Select); coding-DNA position 2476, G replaced by A.
Protein change: p.Val826Ile; replaces valine 826 with isoleucine.
Molecular consequence: missense variant. On other transcripts: non-coding transcript variant (5).
Genome position (GRCh38, 1-based): chr22:31,838,806, G>A. VCF-style: chr22-31838806-G-A. GRCh37 (hg19) VCF-style: chr22-32234792-G-A.
Other names: c.2476G>A, p.Val826Ile (NM_001363852.2, NM_001364318.2, NM_001364320.2); c.2242G>A, p.Val748Ile (NM_001363854.2, NM_001242897.2, NM_001364319.2); c.2449G>A, p.Val817Ile (NM_001136029.4, NM_001369903.1, NM_014662.6); c.2392G>A, p.Val798Ile (NM_001369901.1, NM_001369902.1); c.2476G>A (NM_001242896.1); short protein forms V748I, V817I, V826I, V798I.
Identifiers: ClinVar variation 3713617 (VCV003713617.4).